The following is an entry in ClinVar:

NM_000937.5(POLR2A):c.3364C>T (p.Pro1122Ser)

Gene: POLR2A (RNA polymerase II subunit A; plus strand). Cytogenetic location: 17p13.1.
Variant type: single nucleotide variant.
Coding change: c.3364C>T on transcript NM_000937.5 (MANE Select); coding-DNA position 3364, C replaced by T.
Protein change: p.Pro1122Ser; replaces proline 1122 with serine.
Molecular consequence: missense variant.
Genome position (GRCh38, 1-based): chr17:7,508,374, C>T. VCF-style: chr17-7508374-C-T. GRCh37 (hg19) VCF-style: chr17-7411693-C-T.
Other names: short protein forms P1122S.
Identifiers: ClinVar variation 1687340 (VCV001687340.1), dbSNP rs2150887176, ClinGen allele CA397808179.

ClinVar aggregate classification (germline): Uncertain significance (1 of 4 stars; one submission).

Conditions:
Neurodevelopmental disorder with hypotonia and variable intellectual and behavioral abnormalities. Identifiers: MedGen C5231423, MONDO:0032829, OMIM 618603.

Submission:

3billion
Classification: Uncertain significance for Neurodevelopmental disorder with hypotonia and variable intellectual and behavioral abnormalities. Last evaluated: 2022-05-22. Review status: criteria provided, single submitter. Criteria: ACMG Guidelines, 2015. Collection method: clinical testing. Allele origin: germline. Affected: yes. Observed: 1 heterozygote.
Comment: The variant is not observed in the gnomAD v2.1.1 dataset. Missense changes are a common disease-causing mechanism. Therefore, this variant is classified as uncertain significanceaccording to the recommendation of ACMG/AMP guideline.